The following is an entry in ClinVar:

NM_001379291.1(BRD4):c.3056C>T (p.Pro1019Leu)

Gene: BRD4 (bromodomain containing 4; minus strand). Cytogenetic location: 19p13.12.
Variant type: single nucleotide variant.
Coding change: c.3056C>T on transcript NM_001379291.1 (MANE Select); coding-DNA position 3056, C replaced by T.
Protein change: p.Pro1019Leu; replaces proline 1019 with leucine.
Molecular consequence: missense variant.
Genome position (GRCh38, 1-based): chr19:15,243,013, G>A on the plus strand (C>T on the coding strand, the complement: BRD4 is on the minus strand). VCF-style: chr19-15243013-G-A. GRCh37 (hg19) VCF-style: chr19-15353824-G-A.
Other names: c.3056C>T, p.Pro1019Leu (NM_058243.3); short protein forms P1019L.
Identifiers: ClinVar variation 2954647 (VCV002954647.3), dbSNP rs200799369, ClinGen allele CA9264826.

ClinVar aggregate classification (germline): Uncertain significance (1 of 4 stars; one submission).

Submission:

Labcorp Genetics (formerly Invitae), Labcorp
Classification: Uncertain significance. Last evaluated: 2025-03-10. Review status: criteria provided, single submitter. Criteria: Invitae Variant Classification Sherloc (09022015). Collection method: clinical testing. Allele origin: germline.
Comment: This sequence change replaces proline, which is neutral and non-polar, with leucine, which is neutral and non-polar, at codon 1019 of the BRD4 protein (p.Pro1019Leu). This variant is present in population databases (rs200799369, gnomAD 0.04%), including at least one homozygous and/or hemizygous individual. This variant has not been reported in the literature in individuals affected with BRD4-related conditions. ClinVar contains an entry for this variant (Variation ID: 2954647). An algorithm developed to predict the effect of missense changes on protein structure and function (PolyPhen-2) suggests that this variant is likely to be disruptive. In summary, the available evidence is currently insufficient to determine the role of this variant in disease. Therefore, it has been classified as a Variant of Uncertain Significance.